The following is an entry in ClinVar:

NM_016038.4(SBDS):c.179T>C (p.Val60Ala)

Gene: SBDS (SBDS ribosome maturation factor; minus strand). Cytogenetic location: 7q11.21.
Variant type: single nucleotide variant.
Coding change: c.179T>C on transcript NM_016038.4 (MANE Select); coding-DNA position 179, T replaced by C.
Protein change: p.Val60Ala; replaces valine 60 with alanine.
Molecular consequence: missense variant.
Genome position (GRCh38, 1-based): chr7:66,994,291, A>G on the plus strand (T>C on the coding strand, the complement: SBDS is on the minus strand). VCF-style: chr7-66994291-A-G. GRCh37 (hg19) VCF-style: chr7-66459278-A-G.
Other names: short protein forms V60A.
Identifiers: ClinVar variation 4824663 (VCV004824663.1).

ClinVar aggregate classification (germline): Uncertain significance (1 of 4 stars; one submission).

Conditions:
Inborn genetic diseases. Identifiers: MedGen C0950123, MeSH D030342.

gnomAD v4.1: 1 of 1,614,120 alleles (0.000062%); highest among the groups gnomAD compares: Non-Finnish European, 0.000085%; no homozygotes.

Submission:

Ambry Genetics
Classification: Uncertain significance for Inborn genetic diseases. Last evaluated: 2026-01-18. Review status: criteria provided, single submitter. Criteria: Ambry Variant Classification Scheme 2023. Collection method: clinical testing. Allele origin: germline.
Comment: The p.V60A variant (also known as c.179T>C), located in coding exon 2 of the SBDS gene, results from a T to C substitution at nucleotide position 179. The valine at codon 60 is replaced by alanine, an amino acid with similar properties. This amino acid position is conserved. In addition, this alteration is predicted to be deleterious by in silico analysis. Based on the available evidence, the clinical significance of this variant remains unclear.